The following is an entry in ClinVar:

NM_001197104.2(KMT2A):c.4337T>G (p.Val1446Gly)

Gene: KMT2A (lysine methyltransferase 2A; plus strand). Cytogenetic location: 11q23.3.
Variant type: single nucleotide variant.
Coding change: c.4337T>G on transcript NM_001197104.2 (MANE Select); coding-DNA position 4337, T replaced by G.
Protein change: p.Val1446Gly; replaces valine 1446 with glycine.
Molecular consequence: missense variant.
Genome position (GRCh38, 1-based): chr11:118,488,618, T>G. VCF-style: chr11-118488618-T-G. GRCh37 (hg19) VCF-style: chr11-118359333-T-G.
Other names: c.4436T>G, p.Val1479Gly (NM_001412597.1); c.4337T>G, p.Val1446Gly (NM_005933.4); short protein forms V1446G, V1479G.
Identifiers: ClinVar variation 3369356 (VCV003369356.1).

ClinVar aggregate classification (germline): Uncertain significance (1 of 4 stars; one submission).

Submission:

GeneDx
Classification: Uncertain significance. Last evaluated: 2024-02-15. Review status: criteria provided, single submitter. Criteria: GeneDx Variant Classification Process June 2021. Collection method: clinical testing. Allele origin: germline. Affected: yes.
Comment: Not observed at significant frequency in large population cohorts (gnomAD); In silico analysis supports that this missense variant has a deleterious effect on protein structure/function; Has not been previously published as pathogenic or benign to our knowledge